The following is an entry in ClinVar:

ClinVar aggregate classification (germline): Benign/Likely benign. Review status: criteria provided, multiple submitters, no conflicts (2 of 4 stars). 11 submissions from 11 submitters: Benign (9); Likely benign (1). 1 of the submissions does not count toward it. Last evaluated 2026-02-04.

Conditions:
Hermansky-Pudlak syndrome (HPS). Also called: ALBINISM WITH HEMORRHAGIC DIATHESIS AND PIGMENTED RETICULOENDOTHELIAL CELLS. Identifiers: Orphanet 79430, MedGen C0079504, MONDO:0019312.
Hermansky-Pudlak syndrome 3 (HPS3). Identifiers: Orphanet 231512, Orphanet 79430, MedGen C3888001, MONDO:0013555, OMIM 614072.

Allele frequency attached by ClinVar (database versions not stated): gnomAD exomes 0.44455 and 0.44661; ExAC 0.45662; 1000 Genomes Project 0.49022; 1000 Genomes Project 30x 0.49516; TOPMed 0.49822; gnomAD 0.50318 and 0.50726; ESP Exome Variant Server 0.51392.
gnomAD v4.1: 696,577 of 1,539,766 alleles (45%); highest among the groups gnomAD compares: African/African-American, 66%; 161,541 homozygotes.

Submissions (11):

Labcorp Genetics (formerly Invitae), Labcorp
Classification: Benign. Last evaluated: 2026-02-04. Review status: criteria provided, single submitter. Criteria: Invitae Variant Classification Sherloc (09022015). Collection method: clinical testing. Allele origin: germline.

Women's Health and Genetics/Laboratory Corporation of America, LabCorp
Classification: Benign. Last evaluated: 2025-02-09. Review status: criteria provided, single submitter. Criteria: LabCorp Variant Classification Summary - May 2015. Collection method: clinical testing. Allele origin: germline.

Blueprint Genetics
Classification: Likely benign. Last evaluated: 2024-11-26. Review status: criteria provided, single submitter. Criteria: ACMG Guidelines, 2015. Collection method: clinical testing. Allele origin: germline.

Mayo Clinic Laboratories, Mayo Clinic
Classification: Benign. Last evaluated: 2022-09-29. Review status: criteria provided, single submitter. Criteria: ACMG Guidelines, 2015. Collection method: clinical testing. Allele origin: germline. Observed: 405 variant alleles.

Genome-Nilou Lab
Classification: Benign for Hermansky-Pudlak syndrome 3. Last evaluated: 2021-07-10. Review status: criteria provided, single submitter. Criteria: ACMG Guidelines, 2015. Collection method: clinical testing. Allele origin: germline. Affected: no.

GeneDx
Classification: Benign. Last evaluated: 2018-07-05. Review status: criteria provided, single submitter. Criteria: GeneDx Variant Classification Process June 2021. Collection method: clinical testing. Allele origin: germline. Affected: yes.

Illumina Laboratory Services, Illumina
Classification: Benign for Hermansky-Pudlak syndrome 3. Last evaluated: 2018-01-12. Review status: criteria provided, single submitter. Criteria: ICSL Variant Classification Criteria 13 December 2019. Collection method: clinical testing. Allele origin: germline.
Comment: This variant was observed in the ICSL laboratory as part of a predisposition screen in an ostensibly healthy population. It had not been previously curated by ICSL or reported in the Human Gene Mutation Database (HGMD: prior to June 1st, 2018), and was therefore a candidate for classification through an automated scoring system. Utilizing variant allele frequency, disease prevalence and penetrance estimates, and inheritance mode, an automated score was calculated to assess if this variant is too frequent to cause the disease. Based on the score and internal cut-off values, a variant classified as benign is not then subjected to further curation. The score for this variant resulted in a classification of benign for this disease.

Laboratory for Molecular Medicine, Mass General Brigham Personalized Medicine
Classification: Benign. Last evaluated: 2013-02-21. Review status: criteria provided, single submitter. Criteria: LMM Criteria. Collection method: clinical testing. Allele origin: germline. Observed: 60 variant alleles.
Comment: Gln498Gln in exon 8 of HPS3: This variant is not expected to have clinical signi ficance because it does not alter an amino acid residue and is not located withi n the splice consensus sequence. It has been identified in 43.8% (3771/8600) of European American chromosomes from a broad population by the NHLBI Exome Sequenc ing Project (dbSNP rs6440589).

Breakthrough Genomics
Classification: Benign. Review status: criteria provided, single submitter. Criteria: ACMG Guidelines, 2015. Collection method: not provided. Allele origin: germline. Inheritance: Autosomal recessive inheritance. Affected: yes.

PreventionGenetics, part of Exact Sciences
Classification: Benign. Review status: criteria provided, single submitter. Criteria: ACMG Guidelines, 2015. Collection method: clinical testing. Allele origin: germline.

Natera, Inc.
Classification: Benign for Hermansky-Pudlak syndrome. Last evaluated: 2020-09-16. Review status: no assertion criteria provided. Collection method: clinical testing. Allele origin: germline. Not counted in ClinVar's aggregate classification.

NM_032383.5(HPS3):c.1494G>A (p.Gln498=)

Gene: HPS3 (HPS3 biogenesis of lysosomal organelles complex 2 subunit 1; plus strand). Cytogenetic location: 3q24.
Variant type: single nucleotide variant.
Coding change: c.1494G>A on transcript NM_032383.5 (MANE Select); coding-DNA position 1494, G replaced by A.
Protein change: p.Gln498=; no amino-acid change (glutamine 498 retained).
Molecular consequence: synonymous variant.
Genome position (GRCh38, 1-based): chr3:149,155,200, G>A. VCF-style: chr3-149155200-G-A. GRCh37 (hg19) VCF-style: chr3-148872987-G-A.
Other names: p.Gln498=; c.999G>A, p.Gln333= (NM_001308258.2).
Identifiers: ClinVar variation 163668 (VCV000163668.26), dbSNP rs6440589, ClinGen allele CA176294.
Genomic context (GRCh38, chr3:149,155,200, plus strand): 5'-ACCTCCTGTAGCTGAGGCTGGGTGGAATTTGTATATTGTGAATACGATCTCACCAGTGCA[G>A]CTGTACAAAGAGATGGTACTCTTTTCAAACTTCTGATTCTTGTTTGTAGATATTTAGAGT-3'
Protein context (NP_115759.2, residues 488-508): LYIVNTISPV[Gln498=]LYKEMVDYSN